The following is an entry in ClinVar:

NM_018100.4(EFHC1):c.680C>T (p.Ser227Leu)

Gene: EFHC1 (EF-hand domain containing 1; plus strand). Cytogenetic location: 6p12.2.
Variant type: single nucleotide variant.
Coding change: c.680C>T on transcript NM_018100.4 (MANE Select); coding-DNA position 680, C replaced by T.
Protein change: p.Ser227Leu; replaces serine 227 with leucine.
Molecular consequence: missense variant. On other transcripts: non-coding transcript variant (1).
Genome position (GRCh38, 1-based): chr6:52,452,794, C>T. VCF-style: chr6-52452794-C-T. GRCh37 (hg19) VCF-style: chr6-52317592-C-T.
Other names: p.S227L:TCA>TTA; c.623C>T, p.Ser208Leu (NM_001172420.2); short protein forms S227L, S208L.
Identifiers: ClinVar variation 205385 (VCV000205385.2), dbSNP rs796052412, ClinGen allele CA314407.
Genomic context (GRCh38, chr6:52,452,794, plus strand): 5'-TGGCTCTTGATCCTTACACTGAACTCCGAAAACAGCCTCTTCGTAAGTATGTCACCCCAT[C>T]AGACTTTGATCAACTCAAGCAATTTCTCACCTTTGACAAACAGGTAAGTGACATAGGAAC-3'
Protein context (NP_060570.2, residues 217-237): KQPLRKYVTP[Ser227Leu]DFDQLKQFLT

ClinVar aggregate classification (germline): Uncertain significance (1 of 4 stars; one submission).

Allele frequency attached by ClinVar (database versions not stated): gnomAD exomes 0.00001.
gnomAD v4.1: 3 of 1,614,030 alleles (0.00019%); highest among the groups gnomAD compares: Non-Finnish European, 0.00025%; no homozygotes.

Submission:

GeneDx
Classification: Uncertain significance. Last evaluated: 2013-04-17. Review status: criteria provided, single submitter. Criteria: GeneDx Variant Classification (06012015). Collection method: clinical testing. Allele origin: germline. Affected: yes.
Comment: The Ser227Leu missense change in EFHC1 has not been published as a mutation, nor has it been reported as a benign polymorphism to our knowledge. It was not observed in approximately 6,500 individuals of European and African American ancestry in the NHLBI Exome Sequencing Project, indicating it is not a common benign variant in these populations. The amino acid substitution is non-conservative, as a polar Serine residue is replaced by a non-polar Leucine residue. However, it alters a poorly conserved position in the protein. While one in silico algorithm predicts that Ser227Leu may be damaging to protein structure/function, other models predict it is benign. The presence of Ser227Leu in an unaffected parent provides additional evidence that it is likely a benign variant; however, the possibility that it is a disease-causing mutation cannot be excluded, as some individuals with EFHC1 mutations do not develop seizures or epileptiform EEG discharges due to incomplete penetrance (Suzuki et al., 2005; Medina et al., 2008). The variant is found in EPILEPSY panel(s).